The following is an entry in ClinVar:

ClinVar aggregate classification (germline): Benign. Review status: criteria provided, multiple submitters, no conflicts (2 of 4 stars). 3 submissions from 3 submitters: Benign (2). 1 of the submissions does not count toward it. Last evaluated 2026-01-27.

Conditions:
ASRGL1-related disorder. Also called: ASRGL1-related condition.

Allele frequency attached by ClinVar (database versions not stated): ESP Exome Variant Server 0.00054; gnomAD 0.00528 and 0.00691; gnomAD exomes 0.00542 and 0.01302; TOPMed 0.00736; ExAC 0.01315; 1000 Genomes Project 30x 0.02249; 1000 Genomes Project 0.02256.
gnomAD v4.1: 8,944 of 1,607,136 alleles (0.56%); highest among the groups gnomAD compares: East Asian, 14%; 517 homozygotes.

Submissions (3):

Labcorp Genetics (formerly Invitae), Labcorp
Classification: Benign. Last evaluated: 2026-01-27. Review status: criteria provided, single submitter. Criteria: Invitae Variant Classification Sherloc (09022015). Collection method: clinical testing. Allele origin: germline.

Breakthrough Genomics
Classification: Benign. Review status: criteria provided, single submitter. Criteria: ACMG Guidelines, 2015. Collection method: not provided. Allele origin: germline. Inheritance: Unknown mechanism. Affected: yes.

PreventionGenetics, part of Exact Sciences
Classification: Benign for ASRGL1-related condition. Last evaluated: 2019-12-09. Review status: no assertion criteria provided. Collection method: clinical testing. Allele origin: germline. Not counted in ClinVar's aggregate classification.
Comment: This variant is classified as benign based on ACMG/AMP sequence variant interpretation guidelines (Richards et al. 2015 PMID: 25741868, with internal and published modifications).

NM_001083926.2(ASRGL1):c.495C>T (p.Asn165=)

Gene: ASRGL1 (asparaginase and isoaspartyl peptidase 1; plus strand). Cytogenetic location: 11q12.3.
Variant type: single nucleotide variant.
Coding change: c.495C>T on transcript NM_001083926.2 (MANE Select); coding-DNA position 495, C replaced by T.
Protein change: p.Asn165=; no amino-acid change (asparagine 165 retained).
Molecular consequence: synonymous variant.
Genome position (GRCh38, 1-based): chr11:62,389,136, C>T. VCF-style: chr11-62389136-C-T. GRCh37 (hg19) VCF-style: chr11-62156608-C-T.
Other names: c.495C>T (NM_025080.3); c.495C>T, p.Asn165= (NM_025080.4).
Identifiers: ClinVar variation 1166910 (VCV001166910.12), dbSNP rs3741244, ClinGen allele CA6043222.
Genomic context (GRCh38, chr11:62,389,136, plus strand): 5'-TTATGGTGTTCATTCTCATTTTCAGCCTGTCACTTTTTTTCTGTTTATTTTTGGCAGAAA[C>T]TTGGGAACCGTGGGTGCTGTTGCCTTGGACTGCAAAGGGAATGTAGCCTACGCAACCTCC-3'
Protein context (NP_001077395.1, residues 155-175): KGAQKTDCQK[Asn165=]LGTVGAVALD